The following is an entry in ClinVar:

ClinVar aggregate classification (germline): Uncertain significance (1 of 4 stars; one submission).

Conditions:
Bethlem myopathy 1A. Also called: MYOPATHY, BENIGN CONGENITAL, WITH CONTRACTURES; Bethlem myopathy 1; Bethlem Muscular Dystrophy. Identifiers: Orphanet 610, MedGen CN029274, MONDO:0024530, OMIM 158810.

Submission:

Labcorp Genetics (formerly Invitae), Labcorp
Classification: Uncertain significance for Bethlem myopathy 1A. Last evaluated: 2022-02-19. Review status: criteria provided, single submitter. Criteria: Invitae Variant Classification Sherloc (09022015). Collection method: clinical testing. Allele origin: germline.
Comment: In summary, the available evidence is currently insufficient to determine the role of this variant in disease. Therefore, it has been classified as a Variant of Uncertain Significance. Advanced modeling of protein sequence and biophysical properties (such as structural, functional, and spatial information, amino acid conservation, physicochemical variation, residue mobility, and thermodynamic stability) performed at Invitae indicates that this missense variant is not expected to disrupt COL6A2 protein function. This variant has not been reported in the literature in individuals affected with COL6A2-related conditions. This variant is not present in population databases (gnomAD no frequency). This sequence change replaces aspartic acid, which is acidic and polar, with glycine, which is neutral and non-polar, at codon 870 of the COL6A2 protein (p.Asp870Gly).

NM_001849.4(COL6A2):c.2609A>G (p.Asp870Gly)

Gene: COL6A2 (collagen type VI alpha 2 chain; plus strand). Cytogenetic location: 21q22.3.
Variant type: single nucleotide variant.
Coding change: c.2609A>G on transcript NM_001849.4 (MANE Select); coding-DNA position 2609, A replaced by G.
Protein change: p.Asp870Gly; replaces aspartic acid 870 with glycine.
Molecular consequence: missense variant.
Genome position (GRCh38, 1-based): chr21:46,132,101, A>G. VCF-style: chr21-46132101-A-G. GRCh37 (hg19) VCF-style: chr21-47552015-A-G.
Other names: short protein forms D870G.
Identifiers: ClinVar variation 1937967 (VCV001937967.5), dbSNP rs2517029521, ClinGen allele CA410548562.